The following is an entry in ClinVar:

NM_001367479.1(DNAH14):c.9517del (p.Ile3173fs)

Gene: DNAH14 (dynein axonemal heavy chain 14; plus strand). Cytogenetic location: 1q42.12.
Variant type: Deletion.
Coding change: c.9517del on transcript NM_001367479.1 (MANE Select); coding-DNA position 9517, one base deleted (A; older notation c.9517delA).
Protein change: p.Ile3173fs; shifts the reading frame from isoleucine 3173.
Molecular consequence: frameshift variant.
Genome position (GRCh38, 1-based): chr1:225,324,243, A deleted; the last of 8 consecutive A bases (chr1:225,324,236-225,324,243); deleting any one gives the same sequence. VCF-style (leftmost placement, unchanged base first): chr1-225324235-TA-T. GRCh37 (hg19) VCF-style: chr1-225511937-TA-T.
Other names: NM_001373.1:c.9238del; short protein forms I3173fs.
Identifiers: ClinVar variation 3774634 (VCV003774634.1).

ClinVar aggregate classification (germline): Uncertain significance (1 of 4 stars; one submission).

Submission:

GeneDx
Classification: Uncertain significance. Last evaluated: 2024-09-25. Review status: criteria provided, single submitter. Criteria: GeneDx Variant Classification Process June 2021. Collection method: clinical testing. Allele origin: germline. Affected: yes.
Comment: Frameshift variant predicted to result in protein truncation or nonsense mediated decay in a gene or region of a gene for which loss of function is not a well-established mechanism of disease; Has not been previously published as pathogenic or benign to our knowledge